The following is an entry in ClinVar:

ClinVar aggregate classification (germline): Uncertain significance. Review status: criteria provided, multiple submitters, no conflicts (2 of 4 stars). 2 submissions from 2 submitters: Uncertain significance (2). Last evaluated 2025-09-10.

Conditions:
Inborn genetic diseases. Identifiers: MedGen C0950123, MeSH D030342.

Allele frequency attached by ClinVar (database versions not stated): TOPMed below 0.00001; gnomAD 0.00001; gnomAD exomes 0.00001.
gnomAD v4.1: 20 of 1,614,046 alleles (0.0012%); highest among the groups gnomAD compares: South Asian, 0.0022%; no homozygotes.

Submissions (2):

Ambry Genetics
Classification: Uncertain significance for Inborn genetic diseases. Last evaluated: 2025-09-10. Review status: criteria provided, single submitter. Criteria: Ambry Variant Classification Scheme 2023. Collection method: clinical testing. Allele origin: germline.

Labcorp Genetics (formerly Invitae), Labcorp
Classification: Uncertain significance. Last evaluated: 2022-05-03. Review status: criteria provided, single submitter. Criteria: Invitae Variant Classification Sherloc (09022015). Collection method: clinical testing. Allele origin: germline.
Comment: This sequence change replaces proline, which is neutral and non-polar, with leucine, which is neutral and non-polar, at codon 114 of the ADAMTS18 protein (p.Pro114Leu). This variant is present in population databases (no rsID available, gnomAD 0.003%). This variant has not been reported in the literature in individuals affected with ADAMTS18-related conditions. Algorithms developed to predict the effect of missense changes on protein structure and function are either unavailable or do not agree on the potential impact of this missense change (SIFT: "Not Available"; PolyPhen-2: "Possibly Damaging"; Align-GVGD: "Not Available"). In summary, the available evidence is currently insufficient to determine the role of this variant in disease. Therefore, it has been classified as a Variant of Uncertain Significance.

NM_199355.4(ADAMTS18):c.341C>T (p.Pro114Leu)

Gene: ADAMTS18 (ADAM metallopeptidase with thrombospondin type 1 motif 18; minus strand). Cytogenetic location: 16q23.1.
Variant type: single nucleotide variant.
Coding change: c.341C>T on transcript NM_199355.4 (MANE Select); coding-DNA position 341, C replaced by T.
Protein change: p.Pro114Leu; replaces proline 114 with leucine.
Molecular consequence: missense variant. On other transcripts: 5 prime UTR variant (1).
Genome position (GRCh38, 1-based): chr16:77,431,449, G>A on the plus strand (C>T on the coding strand, the complement: ADAMTS18 is on the minus strand). VCF-style: chr16-77431449-G-A. GRCh37 (hg19) VCF-style: chr16-77465346-G-A.
Other names: c.-180C>T (NM_001326358.2); c.341C>T (NM_199355.2); short protein forms P114L.
Identifiers: ClinVar variation 2061109 (VCV002061109.2), dbSNP rs1294431422, ClinGen allele CA396851301.